The following is an entry in ClinVar:

NM_030761.5(WNT4):c.773G>A (p.Arg258His)

Gene: WNT4 (Wnt family member 4; minus strand). Cytogenetic location: 1p36.12.
Variant type: single nucleotide variant.
Coding change: c.773G>A on transcript NM_030761.5 (MANE Select); coding-DNA position 773, G replaced by A.
Protein change: p.Arg258His; replaces arginine 258 with histidine.
Molecular consequence: missense variant.
Genome position (GRCh38, 1-based): chr1:22,120,333, C>T on the plus strand (G>A on the coding strand, the complement: WNT4 is on the minus strand). VCF-style: chr1-22120333-C-T. GRCh37 (hg19) VCF-style: chr1-22446826-C-T.
Other names: short protein forms R258H.
Identifiers: ClinVar variation 4797858 (VCV004797858.1).

ClinVar aggregate classification (germline): Uncertain significance (1 of 4 stars; one submission).

Submission:

Labcorp Genetics (formerly Invitae), Labcorp
Classification: Uncertain significance. Last evaluated: 2025-10-11. Review status: criteria provided, single submitter. Criteria: Invitae Variant Classification Sherloc (09022015). Collection method: clinical testing. Allele origin: germline.
Comment: This sequence change replaces arginine, which is basic and polar, with histidine, which is basic and polar, at codon 258 of the WNT4 protein (p.Arg258His). This variant is present in population databases (rs759928445, gnomAD 0.006%). This variant has not been reported in the literature in individuals affected with WNT4-related conditions. Invitae Evidence Modeling of protein sequence and biophysical properties (such as structural, functional, and spatial information, amino acid conservation, physicochemical variation, residue mobility, and thermodynamic stability) indicates that this missense variant is not expected to disrupt WNT4 protein function with a negative predictive value of 80%. In summary, the available evidence is currently insufficient to determine the role of this variant in disease. Therefore, it has been classified as a Variant of Uncertain Significance.